The following is an entry in ClinVar:

ClinVar aggregate classification (germline): Uncertain significance (1 of 4 stars; one submission).

Conditions:
Ataxia-telangiectasia syndrome (AT). Also called: Ataxia-telangiectasia, complementation group D; AT, COMPLEMENTATION GROUP C; Cerebello-oculocutaneous telangiectasia; Immunodeficiency with ataxia telangiectasia; Ataxia-telangiectasia, complementation group E; LOUIS-BAR SYNDROME. Identifiers: Orphanet 100, MedGen C0004135, MONDO:0008840, OMIM 208900.

Submission:

Labcorp Genetics (formerly Invitae), Labcorp
Classification: Uncertain significance for Ataxia-telangiectasia syndrome. Last evaluated: 2024-04-29. Review status: criteria provided, single submitter. Criteria: Invitae Variant Classification Sherloc (09022015). Collection method: clinical testing. Allele origin: germline.
Comment: This sequence change replaces tyrosine, which is neutral and polar, with histidine, which is basic and polar, at codon 583 of the ATM protein (p.Tyr583His). This variant is not present in population databases (gnomAD no frequency). This variant has not been reported in the literature in individuals affected with ATM-related conditions. ClinVar contains an entry for this variant (Variation ID: 1461170). Algorithms developed to predict the effect of missense changes on protein structure and function output the following: SIFT: "Not Available"; PolyPhen-2: "Benign"; Align-GVGD: "Not Available". The histidine amino acid residue is found in multiple mammalian species, which suggests that this missense change does not adversely affect protein function. In summary, the available evidence is currently insufficient to determine the role of this variant in disease. Therefore, it has been classified as a Variant of Uncertain Significance.

NM_000051.4(ATM):c.1747T>C (p.Tyr583His)

Gene: ATM (ATM serine/threonine kinase; plus strand). Cytogenetic location: 11q22.3.
Variant type: single nucleotide variant.
Coding change: c.1747T>C on transcript NM_000051.4 (MANE Select); coding-DNA position 1747, T replaced by C.
Protein change: p.Tyr583His; replaces tyrosine 583 with histidine.
Molecular consequence: missense variant.
Genome position (GRCh38, 1-based): chr11:108,251,976, T>C. VCF-style: chr11-108251976-T-C. GRCh37 (hg19) VCF-style: chr11-108122703-T-C.
Other names: c.1747T>C, p.Tyr583His (NM_001351834.2); short protein forms Y583H.
Identifiers: ClinVar variation 1461170 (VCV001461170.6), dbSNP rs2135342937, ClinGen allele CA382535356.